The following is an entry in ClinVar:

ClinVar aggregate classification (germline): Likely benign. Review status: criteria provided, single submitter (1 of 4 stars). 2 submissions from 2 submitters: Likely benign (1). 1 of the submissions does not count toward it. Last evaluated 2025-04-21.

Conditions:
PEX13-related disorder. Also called: PEX13-related disorders; PEX13-related condition.
Peroxisome biogenesis disorder 11A (Zellweger). Also called: Peroxisome biogenesis disorder 11A. Identifiers: Orphanet 912, MedGen C3554000, MONDO:0013949, OMIM 614883.

Allele frequency attached by ClinVar (database versions not stated): gnomAD exomes below 0.00001.
gnomAD v4.1: 2 of 1,614,158 alleles (0.00012%); highest among the groups gnomAD compares: Admixed American, 0.0033%; no homozygotes.

Submissions (2):

Labcorp Genetics (formerly Invitae), Labcorp
Classification: Likely benign for Peroxisome biogenesis disorder 11A (Zellweger). Last evaluated: 2025-04-21. Review status: criteria provided, single submitter. Criteria: Invitae Variant Classification Sherloc (09022015). Collection method: clinical testing. Allele origin: germline.

PreventionGenetics, part of Exact Sciences
Classification: Likely benign for PEX13-related condition. Last evaluated: 2019-11-12. Review status: no assertion criteria provided. Collection method: clinical testing. Allele origin: germline. Not counted in ClinVar's aggregate classification.
Comment: This variant is classified as likely benign based on ACMG/AMP sequence variant interpretation guidelines (Richards et al. 2015 PMID: 25741868, with internal and published modifications).

NM_002618.4(PEX13):c.969A>G (p.Thr323=)

Gene: PEX13 (peroxisomal biogenesis factor 13; plus strand). Cytogenetic location: 2p15.
Variant type: single nucleotide variant.
Coding change: c.969A>G on transcript NM_002618.4 (MANE Select); coding-DNA position 969, A replaced by G.
Protein change: p.Thr323=; no amino-acid change (threonine 323 retained).
Molecular consequence: synonymous variant.
Genome position (GRCh38, 1-based): chr2:61,048,527, A>G. VCF-style: chr2-61048527-A-G. GRCh37 (hg19) VCF-style: chr2-61275662-A-G.
Other names: c.969A>G (NM_002618.3).
Identifiers: ClinVar variation 1918268 (VCV001918268.7), dbSNP rs1360885626, ClinGen allele CA426411995.